The following is an entry in ClinVar:

ClinVar aggregate classification (germline): Uncertain significance (1 of 4 stars; one submission).

Conditions:
Hereditary spastic paraplegia 11. Also called: Nakamura Osame syndrome; Autosomal recessive hereditary spastic paraplegia, mental impairment, and thin corpus callosum; Spastic paraplegia, mental retardation and thin corpus callosum; SPASTIC PARAPLEGIA, AUTOSOMAL RECESSIVE, COMPLICATED, WITH THIN CORPUS CALLOSUM; SPASTIC PARAPLEGIA, AUTOSOMAL RECESSIVE, WITH MENTAL IMPAIRMENT AND THIN CORPUS CALLOSUM; Spastic Paraplegia 11. Identifiers: Orphanet 2822, MedGen C1858479, MONDO:0011445, OMIM 604360.

Submission:

Labcorp Genetics (formerly Invitae), Labcorp
Classification: Uncertain significance for Hereditary spastic paraplegia 11. Last evaluated: 2021-08-26. Review status: criteria provided, single submitter. Criteria: Invitae Variant Classification Sherloc (09022015). Collection method: clinical testing. Allele origin: germline.
Comment: This sequence change replaces glutamic acid with glutamine at codon 1338 of the SPG11 protein (p.Glu1338Gln). The glutamic acid residue is moderately conserved and there is a small physicochemical difference between glutamic acid and glutamine. This variant is not present in population databases (ExAC no frequency). This variant has not been reported in the literature in individuals affected with SPG11-related conditions. Algorithms developed to predict the effect of missense changes on protein structure and function are either unavailable or do not agree on the potential impact of this missense change (SIFT: "Deleterious"; PolyPhen-2: "Probably Damaging"; Align-GVGD: "Class C0"). In summary, the available evidence is currently insufficient to determine the role of this variant in disease. Therefore, it has been classified as a Variant of Uncertain Significance.

NM_025137.4(SPG11):c.4012G>C (p.Glu1338Gln)

Gene: SPG11 (SPG11 vesicle trafficking associated, spatacsin; minus strand). Cytogenetic location: 15q21.1.
Variant type: single nucleotide variant.
Coding change: c.4012G>C on transcript NM_025137.4 (MANE Select); coding-DNA position 4012, G replaced by C.
Protein change: p.Glu1338Gln; replaces glutamic acid 1338 with glutamine.
Molecular consequence: missense variant.
Genome position (GRCh38, 1-based): chr15:44,596,933, C>G on the plus strand (G>C on the coding strand, the complement: SPG11 is on the minus strand). VCF-style: chr15-44596933-C-G. GRCh37 (hg19) VCF-style: chr15-44889131-C-G.
Other names: c.4012G>C, p.Glu1338Gln (NM_001160227.2); short protein forms E1338Q.
Identifiers: ClinVar variation 534877 (VCV000534877.6), dbSNP rs1555451163, ClinGen allele CA392229312.
Genomic context (GRCh38, chr15:44,596,933, plus strand): 5'-TTAGTTTCATATTGTGTAGCCTGCAGAACTGCACCACTAATGCCCATTGGCTGCTAGATT[C>G]ACTGGATAACCTATAATCAGAATTAGAGGTGGGGGTGGTCAAGAAAAAACAAAAAACTCA-3'
Protein context (NP_079413.3, residues 1328-1348): QQQEIKRLSS[Glu1338Gln]SSSQWALVVQ